The following is an entry in ClinVar:

NM_001395413.1(POR):c.1307C>T (p.Ser436Phe)

Gene: POR (cytochrome p450 oxidoreductase; plus strand). Cytogenetic location: 7q11.23.
Variant type: single nucleotide variant.
Coding change: c.1307C>T on transcript NM_001395413.1 (MANE Select); coding-DNA position 1307, C replaced by T.
Protein change: p.Ser436Phe; replaces serine 436 with phenylalanine.
Molecular consequence: missense variant. On other transcripts: intron variant (1).
Genome position (GRCh38, 1-based): chr7:75,985,125, C>T. VCF-style: chr7-75985125-C-T. GRCh37 (hg19) VCF-style: chr7-75614443-C-T.
Other names: c.1307C>T, p.Ser436Phe (NM_001367562.3, NM_001382657.2, NM_001382658.3 and 1 more transcripts); c.1361C>T, p.Ser454Phe (NM_001382655.3); c.1239+167C>T (NM_001382662.3); short protein forms S436F, S454F.
Identifiers: ClinVar variation 1513613 (VCV001513613.3), dbSNP rs1789345072, ClinGen allele CA367749706.

ClinVar aggregate classification (germline): Uncertain significance (1 of 4 stars; one submission).

Conditions:
Congenital adrenal hyperplasia due to cytochrome P450 oxidoreductase deficiency. Also called: DISORDERED STEROIDOGENESIS DUE TO POR DEFICIENCY. Identifiers: Orphanet 95699, MedGen C1860042, MONDO:0013310, OMIM 613571.

Allele frequency attached by ClinVar (database versions not stated): gnomAD exomes below 0.00001; TOPMed 0.00001.
gnomAD v4.1: 5 of 1,600,122 alleles (0.00031%); highest among the groups gnomAD compares: Non-Finnish European, 0.00042%; no homozygotes.

Submission:

Labcorp Genetics (formerly Invitae), Labcorp
Classification: Uncertain significance for Congenital adrenal hyperplasia due to cytochrome P450 oxidoreductase deficiency. Last evaluated: 2021-10-27. Review status: criteria provided, single submitter. Criteria: Invitae Variant Classification Sherloc (09022015). Collection method: clinical testing. Allele origin: germline.
Comment: This sequence change replaces serine, a(n) neutral and polar amino acid, with phenylalanine, a(n) neutral and non-polar amino acid, at codon 439 of the POR protein (p.Ser439Phe). This variant is not present in population databases (gnomAD no frequency). This variant has not been reported in the literature in individuals affected with POR-related conditions. Algorithms developed to predict the effect of missense changes on protein structure and function (SIFT, PolyPhen-2, Align-GVGD) all suggest that this variant is likely to be disruptive. In summary, the available evidence is currently insufficient to determine the role of this variant in disease. Therefore, it has been classified as a Variant of Uncertain Significance.